The following is an entry in ClinVar:

ClinVar aggregate classification (germline): Uncertain significance (1 of 4 stars; one submission).

Conditions:
Idiopathic generalized epilepsy. Also called: Generalised epilepsy; EIG. Identifiers: MedGen C0270850, MONDO:0005579, OMIM 600669.
Hyperaldosteronism, familial, type IV (HALD4). Also called: FH IV; ALDOSTERONISM, PRIMARY, AND HYPERTENSION. Identifiers: Orphanet 642671, MedGen C4310756, MONDO:0014875, OMIM 617027.

Submission:

Labcorp Genetics (formerly Invitae), Labcorp
Classification: Uncertain significance for Idiopathic generalized epilepsy; Hyperaldosteronism, familial, type IV. Last evaluated: 2022-08-22. Review status: criteria provided, single submitter. Criteria: Invitae Variant Classification Sherloc (09022015). Collection method: clinical testing. Allele origin: germline.
Comment: In summary, the available evidence is currently insufficient to determine the role of this variant in disease. Therefore, it has been classified as a Variant of Uncertain Significance. This sequence change replaces leucine, which is neutral and non-polar, with methionine, which is neutral and non-polar, at codon 1094 of the CACNA1H protein (p.Leu1094Met). This variant is not present in population databases (gnomAD no frequency). This variant has not been reported in the literature in individuals affected with CACNA1H-related conditions. ClinVar contains an entry for this variant (Variation ID: 577002). Advanced modeling of protein sequence and biophysical properties (such as structural, functional, and spatial information, amino acid conservation, physicochemical variation, residue mobility, and thermodynamic stability) performed at Invitae indicates that this missense variant is not expected to disrupt CACNA1H protein function.

NM_021098.3(CACNA1H):c.3280C>A (p.Leu1094Met)

Gene: CACNA1H (calcium voltage-gated channel subunit alpha1 H; plus strand). Cytogenetic location: 16p13.3.
Variant type: single nucleotide variant.
Coding change: c.3280C>A on transcript NM_021098.3 (MANE Select); coding-DNA position 3280, C replaced by A.
Protein change: p.Leu1094Met; replaces leucine 1094 with methionine.
Molecular consequence: missense variant.
Genome position (GRCh38, 1-based): chr16:1,208,138, C>A. VCF-style: chr16-1208138-C-A. GRCh37 (hg19) VCF-style: chr16-1258138-C-A.
Other names: c.3280C>A, p.Leu1094Met (NM_001005407.2); short protein forms L1094M.
Identifiers: ClinVar variation 577002 (VCV000577002.10), dbSNP rs1567531841, ClinGen allele CA394172122.